The following is an entry in ClinVar:

ClinVar aggregate classification (germline): Uncertain significance (1 of 4 stars; one submission).

Submission:

Labcorp Genetics (formerly Invitae), Labcorp
Classification: Uncertain significance. Last evaluated: 2021-05-18. Review status: criteria provided, single submitter. Criteria: Invitae Variant Classification Sherloc (09022015). Collection method: clinical testing. Allele origin: germline.
Comment: In summary, the available evidence is currently insufficient to determine the role of this variant in disease. Therefore, it has been classified as a Variant of Uncertain Significance. Algorithms developed to predict the effect of missense changes on protein structure and function (SIFT, PolyPhen-2, Align-GVGD) all suggest that this variant is likely to be disruptive, but these predictions have not been confirmed by published functional studies and their clinical significance is uncertain. This variant has not been reported in the literature in individuals with TNFRSF6B-related conditions. This variant is not present in population databases (ExAC no frequency). This sequence change replaces cysteine with tyrosine at codon 62 of the TNFRSF6B protein (p.Cys62Tyr). The cysteine residue is highly conserved and there is a large physicochemical difference between cysteine and tyrosine.

NM_003823.4(TNFRSF6B):c.185G>A (p.Cys62Tyr)

Genes: TNFRSF6B (TNF receptor superfamily member 6b; plus strand), RTEL1-TNFRSF6B (RTEL1-TNFRSF6B readthrough (NMD candidate); plus strand). Cytogenetic location: 20q13.33.
Variant type: single nucleotide variant.
Coding change: c.185G>A on transcript NM_003823.4 (MANE Select); coding-DNA position 185, G replaced by A.
Protein change: p.Cys62Tyr; replaces cysteine 62 with tyrosine.
Molecular consequence: missense variant. On other transcripts: non-coding transcript variant (1).
Genome position (GRCh38, 1-based): chr20:63,696,952, G>A. VCF-style: chr20-63696952-G-A. GRCh37 (hg19) VCF-style: chr20-62328305-G-A.
Other names: short protein forms C62Y.
Identifiers: ClinVar variation 1428226 (VCV001428226.8), dbSNP rs2145486990, ClinGen allele CA409710921.